The following is an entry in ClinVar:

ClinVar aggregate classification (germline): Uncertain significance. Review status: criteria provided, multiple submitters, no conflicts (2 of 4 stars). 2 submissions from 2 submitters: Uncertain significance (2). Last evaluated 2022-07-26.

Conditions:
Charcot-Marie-Tooth disease type 4. Also called: Charcot-Marie-Tooth disease, type IV; Charcot-Marie-Tooth, Type 4. Identifiers: Orphanet 64749, MedGen C4082197, MONDO:0018995.
Inborn genetic diseases. Identifiers: MedGen C0950123, MeSH D030342.

Allele frequency attached by ClinVar (database versions not stated): gnomAD exomes 0.00001; TOPMed 0.00002; gnomAD 0.00004.
gnomAD v4.1: 24 of 1,613,966 alleles (0.0015%); highest among the groups gnomAD compares: Non-Finnish European, 0.0019%; no homozygotes.

Submissions (2):

Labcorp Genetics (formerly Invitae), Labcorp
Classification: Uncertain significance for Charcot-Marie-Tooth disease type 4. Last evaluated: 2022-07-26. Review status: criteria provided, single submitter. Criteria: Invitae Variant Classification Sherloc (09022015). Collection method: clinical testing. Allele origin: germline.
Comment: This sequence change replaces serine, which is neutral and polar, with proline, which is neutral and non-polar, at codon 21 of the FGD4 protein (p.Ser21Pro). This variant is present in population databases (no rsID available, gnomAD 0.007%). This variant has not been reported in the literature in individuals affected with FGD4-related conditions. ClinVar contains an entry for this variant (Variation ID: 941977). Algorithms developed to predict the effect of missense changes on protein structure and function are either unavailable or do not agree on the potential impact of this missense change (SIFT: "Deleterious"; PolyPhen-2: "Probably Damaging"; Align-GVGD: "Class C0"). In summary, the available evidence is currently insufficient to determine the role of this variant in disease. Therefore, it has been classified as a Variant of Uncertain Significance.

Ambry Genetics
Classification: Uncertain significance for Inborn genetic diseases. Last evaluated: 2020-09-02. Review status: criteria provided, single submitter. Criteria: Ambry Variant Classification Scheme 2023. Collection method: clinical testing. Allele origin: germline.
Comment: The p.S21P variant (also known as c.61T>C), located in coding exon 1 of the FGD4 gene, results from a T to C substitution at nucleotide position 61. The serine at codon 21 is replaced by proline, an amino acid with similar properties. This amino acid position is highly conserved in available vertebrate species. In addition, this alteration is predicted to be deleterious by in silico analysis. Since supporting evidence is limited at this time, the clinical significance of this alteration remains unclear.

NM_001370298.3(FGD4):c.472T>C (p.Ser158Pro)

Gene: FGD4 (FYVE, RhoGEF and PH domain containing 4; plus strand). Cytogenetic location: 12p11.21.
Variant type: single nucleotide variant.
Coding change: c.472T>C on transcript NM_001370298.3 (MANE Select); coding-DNA position 472, T replaced by C.
Protein change: p.Ser158Pro; replaces serine 158 with proline.
Molecular consequence: missense variant. On other transcripts: 5 prime UTR variant (2), intron variant (4).
Genome position (GRCh38, 1-based): chr12:32,576,418, T>C. VCF-style: chr12-32576418-T-C. GRCh37 (hg19) VCF-style: chr12-32729352-T-C.
Other names: c.61T>C (NM_139241.2); c.316T>C, p.Ser106Pro (NM_001304481.2); c.-784T>C (NM_001304483.2); c.-1091T>C (NM_001304484.2); c.472T>C, p.Ser158Pro (NM_001384126.1); c.61T>C, p.Ser21Pro (NM_001384127.1, NM_001384128.1, NM_001384131.1 and 3 more transcripts); c.-187-5542T>C (NM_001330374.2, NM_001330373.2, NM_001384130.1); c.48+12129T>C (NM_001370297.1); short protein forms S21P, S106P, S158P.
Identifiers: ClinVar variation 941977 (VCV000941977.8), dbSNP rs989660324, ClinGen allele CA235434454.